The following is an entry in ClinVar:

NM_000215.4(JAK3):c.1426A>G (p.Ile476Val)

Gene: JAK3 (Janus kinase 3; minus strand). Cytogenetic location: 19p13.11.
Variant type: single nucleotide variant.
Coding change: c.1426A>G on transcript NM_000215.4 (MANE Select); coding-DNA position 1426, A replaced by G.
Protein change: p.Ile476Val; replaces isoleucine 476 with valine.
Molecular consequence: missense variant.
Genome position (GRCh38, 1-based): chr19:17,839,492, T>C on the plus strand (A>G on the coding strand, the complement: JAK3 is on the minus strand). VCF-style: chr19-17839492-T-C. GRCh37 (hg19) VCF-style: chr19-17950301-T-C.
Other names: short protein forms I476V.
Identifiers: ClinVar variation 2884254 (VCV002884254.2), dbSNP rs761428464, ClinGen allele CA9301910.

ClinVar aggregate classification (germline): Uncertain significance. Review status: criteria provided, multiple submitters, no conflicts (2 of 4 stars). 2 submissions from 2 submitters: Uncertain significance (2). Last evaluated 2024-12-09.

Conditions:
Inborn genetic diseases. Identifiers: MedGen C0950123, MeSH D030342.
T-B+ severe combined immunodeficiency due to JAK3 deficiency. Also called: SCID, T CELL-NEGATIVE, B CELL-POSITIVE, NK CELL-NEGATIVE; SCID, autosomal recessive, T-negative/B-positive type. Identifiers: Orphanet 35078, MedGen C1833275, MONDO:0010938, OMIM 600802.

Allele frequency attached by ClinVar (database versions not stated): gnomAD exomes below 0.00001; TOPMed below 0.00001; gnomAD 0.00001; ExAC 0.00003.
gnomAD v4.1: 3 of 1,587,988 alleles (0.00019%); highest among the groups gnomAD compares: Non-Finnish European, 0.00026%; no homozygotes.

Submissions (2):

Ambry Genetics
Classification: Uncertain significance for Inborn genetic diseases. Last evaluated: 2024-12-09. Review status: criteria provided, single submitter. Criteria: Ambry Variant Classification Scheme 2023. Collection method: clinical testing. Allele origin: germline.

Labcorp Genetics (formerly Invitae), Labcorp
Classification: Uncertain significance for T-B+ severe combined immunodeficiency due to JAK3 deficiency. Last evaluated: 2023-06-27. Review status: criteria provided, single submitter. Criteria: Invitae Variant Classification Sherloc (09022015). Collection method: clinical testing. Allele origin: germline.
Comment: Advanced modeling of protein sequence and biophysical properties (such as structural, functional, and spatial information, amino acid conservation, physicochemical variation, residue mobility, and thermodynamic stability) performed at Invitae indicates that this missense variant is not expected to disrupt JAK3 protein function. In summary, the available evidence is currently insufficient to determine the role of this variant in disease. Therefore, it has been classified as a Variant of Uncertain Significance. This variant has not been reported in the literature in individuals affected with JAK3-related conditions. This variant is present in population databases (rs761428464, gnomAD 0.002%). This sequence change replaces isoleucine, which is neutral and non-polar, with valine, which is neutral and non-polar, at codon 476 of the JAK3 protein (p.Ile476Val).